The following is an entry in ClinVar:

NM_181458.4(PAX3):c.586+5G>T

Gene: PAX3 (paired box 3; minus strand). Cytogenetic location: 2q36.1.
Variant type: single nucleotide variant.
Coding change: c.586+5G>T on transcript NM_181458.4 (MANE Select); 5 bases into the intron after coding-DNA position 586, G replaced by T.
Molecular consequence: intron variant. On other transcripts: missense variant (1).
Genome position (GRCh38, 1-based): chr2:222,294,162, C>A on the plus strand (G>T on the coding strand, the complement: PAX3 is on the minus strand). VCF-style: chr2-222294162-C-A. GRCh37 (hg19) VCF-style: chr2-223158881-C-A.
Other names: c.591G>T, p.Lys197Asn (NM_000438.6); c.583+5G>T (NM_001127366.3); c.586+5G>T (NM_181460.4, NM_181461.4, NM_181459.4 and 2 more transcripts); short protein forms K197N.
Identifiers: ClinVar variation 1311612 (VCV001311612.5), dbSNP rs755362476, ClinGen allele CA2135685.

ClinVar aggregate classification (germline): Uncertain significance. Review status: criteria provided, multiple submitters, no conflicts (2 of 4 stars). 2 submissions from 2 submitters: Uncertain significance (2). Last evaluated 2024-11-20.

Allele frequency attached by ClinVar (database versions not stated): gnomAD 0.00001; gnomAD exomes 0.00001; ExAC 0.00002.
gnomAD v4.1: 25 of 1,614,142 alleles (0.0015%); highest among the groups gnomAD compares: Non-Finnish European, 0.0017%; no homozygotes.

Submissions (2):

Blueprint Genetics
Classification: Uncertain significance. Last evaluated: 2024-11-20. Review status: criteria provided, single submitter. Criteria: ACMG Guidelines, 2015. Collection method: clinical testing. Allele origin: germline.

GeneDx
Classification: Uncertain significance. Last evaluated: 2024-10-31. Review status: criteria provided, single submitter. Criteria: GeneDx Variant Classification Process June 2021. Collection method: clinical testing. Allele origin: germline. Affected: yes.
Comment: Has not been previously published as pathogenic or benign to our knowledge; In silico analysis indicates that this variant does not alter splicing